The following is an entry in ClinVar:

ClinVar aggregate classification (germline): Uncertain significance. Review status: criteria provided, multiple submitters, no conflicts (2 of 4 stars). 6 submissions from 6 submitters: Uncertain significance (5). 1 of the submissions does not count toward it. Last evaluated 2025-10-06.

Conditions:
Wilson disease (WND). Also called: Wilson's disease. Identifiers: Orphanet 905, MedGen C0019202, MONDO:0010200, OMIM 277900. Disease mechanism: loss of function.

Allele frequency attached by ClinVar (database versions not stated): ExAC 0.00005; gnomAD exomes 0.00006 and 0.00010; ESP Exome Variant Server 0.00008; gnomAD 0.00010; TOPMed 0.00011.
gnomAD v4.1: 162 of 1,614,000 alleles (0.01%); highest among the groups gnomAD compares: African/African-American, 0.019%; no homozygotes.

Submissions (6):

GeneDx
Classification: Uncertain significance. Last evaluated: 2025-10-06. Review status: criteria provided, single submitter. Criteria: GeneDx Variant Classification Process June 2021. Collection method: clinical testing. Allele origin: germline. Affected: yes.
Comment: Not observed at significant frequency in large population cohorts (gnomAD); In silico analysis suggests that this missense variant does not alter protein structure/function; Has not been previously published as pathogenic or benign to our knowledge

All of Us Research Program, National Institutes of Health
Classification: Uncertain significance for Wilson disease. Last evaluated: 2024-09-23. Review status: criteria provided, single submitter. Criteria: ACMG Guidelines, 2015. Collection method: clinical testing. Allele origin: germline. Inheritance: Autosomal recessive inheritance. Observed: 32 variant alleles, 32 heterozygotes.
Comment: This missense variant replaces alanine with valine at codon 1388 of the ATP7B protein. Computational prediction suggests that this variant may not impact protein structure and function (internally defined REVEL score threshold <= 0.5, PMID: 27666373). To our knowledge, functional studies have not been reported for this variant. This variant has not been reported in individuals affected with ATP7B-related disorders in the literature. This variant has been identified in 17/278674 chromosomes in the general population by the Genome Aggregation Database (gnomAD). The available evidence is insufficient to determine the role of this variant in disease conclusively. Therefore, this variant is classified as a Variant of Uncertain Significance.

This study involves interpretation of variants in research participants for the purpose of population health screening. Participant phenotype was not available at the time of variant classification. Additional details can be found in publication PMID: 35346344, PMCID: PMC8962531

Color Diagnostics, LLC DBA Color Health
Classification: Uncertain significance for Wilson disease. Last evaluated: 2024-03-06. Review status: criteria provided, single submitter. Criteria: ACMG Guidelines, 2015. Collection method: clinical testing. Allele origin: germline.
Comment: This missense variant replaces alanine with valine at codon 1388 of the ATP7B protein. Computational prediction suggests that this variant may not impact protein structure and function (internally defined REVEL score threshold <= 0.5, PMID: 27666373). To our knowledge, functional studies have not been reported for this variant. This variant has not been reported in individuals affected with ATP7B-related disorders in the literature. This variant has been identified in 17/278674 chromosomes in the general population by the Genome Aggregation Database (gnomAD). The available evidence is insufficient to determine the role of this variant in disease conclusively. Therefore, this variant is classified as a Variant of Uncertain Significance.

Labcorp Genetics (formerly Invitae), Labcorp
Classification: Uncertain significance for Wilson disease. Last evaluated: 2022-10-24. Review status: criteria provided, single submitter. Criteria: Invitae Variant Classification Sherloc (09022015). Collection method: clinical testing. Allele origin: germline.
Comment: This sequence change replaces alanine, which is neutral and non-polar, with valine, which is neutral and non-polar, at codon 1388 of the ATP7B protein (p.Ala1388Val). This variant is present in population databases (rs371458882, gnomAD 0.009%). This variant has not been reported in the literature in individuals affected with ATP7B-related conditions. ClinVar contains an entry for this variant (Variation ID: 424208). Advanced modeling of protein sequence and biophysical properties (such as structural, functional, and spatial information, amino acid conservation, physicochemical variation, residue mobility, and thermodynamic stability) performed at Invitae indicates that this missense variant is not expected to disrupt ATP7B protein function. In summary, the available evidence is currently insufficient to determine the role of this variant in disease. Therefore, it has been classified as a Variant of Uncertain Significance.

Genome-Nilou Lab
Classification: Uncertain significance for Wilson disease. Last evaluated: 2021-09-05. Review status: criteria provided, single submitter. Criteria: ACMG Guidelines, 2015. Collection method: clinical testing. Allele origin: germline. Affected: no.

Natera, Inc.
Classification: Uncertain significance for Wilson disease. Last evaluated: 2020-04-15. Review status: no assertion criteria provided. Collection method: clinical testing. Allele origin: germline. Not counted in ClinVar's aggregate classification.

NM_000053.4(ATP7B):c.4163C>T (p.Ala1388Val)

Gene: ATP7B (ATPase copper transporting beta; minus strand). Cytogenetic location: 13q14.3.
Variant type: single nucleotide variant.
Coding change: c.4163C>T on transcript NM_000053.4 (MANE Select); coding-DNA position 4163, C replaced by T.
Protein change: p.Ala1388Val; replaces alanine 1388 with valine.
Molecular consequence: missense variant.
Genome position (GRCh38, 1-based): chr13:51,934,991, G>A on the plus strand (C>T on the coding strand, the complement: ATP7B is on the minus strand). VCF-style: chr13-51934991-G-A. GRCh37 (hg19) VCF-style: chr13-52509127-G-A.
Other names: c.3542C>T, p.Ala1181Val (NM_001005918.3); c.3830C>T, p.Ala1277Val (NM_001243182.2); c.3929C>T, p.Ala1310Val (NM_001330578.2); c.3911C>T, p.Ala1304Val (NM_001330579.2); short protein forms A1388V, A1304V, A1310V, A1277V, A1181V.
Identifiers: ClinVar variation 424208 (VCV000424208.11), dbSNP rs371458882, ClinGen allele CA6988466.
Genomic context (GRCh38, chr13:51,934,991, plus strand): 5'-TCATCCATGCCTATGTGCACACTGACCTGGGATGCCGTCAGGGGCTTCATGTGGCCATGC[G>A]CCTGTGCCTCATACCTCTCCAGGTCAGGCTTCTTATAGCTGGAAAGCAGGAACGCAACAG-3'
Protein context (NP_000044.2, residues 1378-1398): KPDLERYEAQ[Ala1388Val]HGHMKPLTAS